The following is an entry in ClinVar:

ClinVar aggregate classification (germline): Uncertain significance. Review status: criteria provided, multiple submitters, no conflicts (2 of 4 stars). 3 submissions from 3 submitters: Uncertain significance (2). 1 of the submissions does not count toward it. Last evaluated 2025-11-17.

Conditions:
Fanconi anemia complementation group G. Also called: FANCG-Related Fanconi Anemia; Fanconi anemia group G. Identifiers: Orphanet 84, MedGen C3469527, MONDO:0013565, OMIM 614082.
Fanconi anemia (FA). Also called: Fanconi's anemia. Identifiers: Orphanet 84, MedGen C0015625, MeSH D005199, MONDO:0019391.

Allele frequency attached by ClinVar (database versions not stated): gnomAD 0.00001; TOPMed 0.00001.
gnomAD v4.1: 32 of 1,613,724 alleles (0.002%); highest among the groups gnomAD compares: Non-Finnish European, 0.0025%; no homozygotes.

Submissions (3):

Labcorp Genetics (formerly Invitae), Labcorp
Classification: Uncertain significance for Fanconi anemia. Last evaluated: 2025-11-17. Review status: criteria provided, single submitter. Criteria: Invitae Variant Classification Sherloc (09022015). Collection method: clinical testing. Allele origin: germline.
Comment: This sequence change replaces arginine, which is basic and polar, with lysine, which is basic and polar, at codon 113 of the FANCG protein (p.Arg113Lys). This variant is present in population databases (rs778894219, gnomAD 0.005%). This variant has not been reported in the literature in individuals affected with FANCG-related conditions. ClinVar contains an entry for this variant (Variation ID: 526405). Invitae Evidence Modeling of protein sequence and biophysical properties (such as structural, functional, and spatial information, amino acid conservation, physicochemical variation, residue mobility, and thermodynamic stability) indicates that this missense variant is not expected to disrupt FANCG protein function with a negative predictive value of 80%. In summary, the available evidence is currently insufficient to determine the role of this variant in disease. Therefore, it has been classified as a Variant of Uncertain Significance.

Breakthrough Genomics
Classification: Uncertain significance. Review status: criteria provided, single submitter. Criteria: ACMG Guidelines, 2015. Collection method: not provided. Allele origin: germline. Inheritance: Autosomal recessive inheritance. Affected: yes.

Natera, Inc.
Classification: Uncertain significance for Fanconi anemia group G. Last evaluated: 2020-08-03. Review status: no assertion criteria provided. Collection method: clinical testing. Allele origin: germline. Not counted in ClinVar's aggregate classification.

NM_004629.2(FANCG):c.338G>A (p.Arg113Lys)

Gene: FANCG (FA complementation group G; minus strand). Cytogenetic location: 9p13.3.
Variant type: single nucleotide variant.
Coding change: c.338G>A on transcript NM_004629.2 (MANE Select); coding-DNA position 338, G replaced by A.
Protein change: p.Arg113Lys; replaces arginine 113 with lysine.
Molecular consequence: missense variant.
Genome position (GRCh38, 1-based): chr9:35,078,313, C>T on the plus strand (G>A on the coding strand, the complement: FANCG is on the minus strand). VCF-style: chr9-35078313-C-T. GRCh37 (hg19) VCF-style: chr9-35078310-C-T.
Other names: short protein forms R113K.
Identifiers: ClinVar variation 526405 (VCV000526405.8), dbSNP rs778894219, ClinGen allele CA5040062.